The following is an entry in ClinVar:

ClinVar aggregate classification (germline): Uncertain significance (1 of 4 stars; one submission).

Conditions:
Saldino-Mainzer syndrome (SRTD9). Also called: Renal dysplasia, retinal pigmentary dystrophy, cerebellar ataxia and skeletal dysplasia; CONORENAL SYNDROME; SHORT-RIB THORACIC DYSPLASIA 9 WITHOUT POLYDACTYLY; short-rib thoracic dysplasia 9 with or without polydactyly. Identifiers: Orphanet 140969, MedGen C1849437, MONDO:0009964, OMIM 266920.

Submission:

Labcorp Genetics (formerly Invitae), Labcorp
Classification: Uncertain significance for Saldino-Mainzer syndrome. Last evaluated: 2021-05-30. Review status: criteria provided, single submitter. Criteria: Invitae Variant Classification Sherloc (09022015). Collection method: clinical testing. Allele origin: germline.
Comment: In summary, the available evidence is currently insufficient to determine the role of this variant in disease. Therefore, it has been classified as a Variant of Uncertain Significance. Algorithms developed to predict the effect of missense changes on protein structure and function are either unavailable or do not agree on the potential impact of this missense change (SIFT: "Deleterious"; PolyPhen-2: "Probably Damaging"; Align-GVGD: "Class C0"). This variant has not been reported in the literature in individuals with IFT140-related conditions. This variant is not present in population databases (ExAC no frequency). This sequence change replaces tyrosine with aspartic acid at codon 495 of the IFT140 protein (p.Tyr495Asp). The tyrosine residue is moderately conserved and there is a large physicochemical difference between tyrosine and aspartic acid.

NM_014714.4(IFT140):c.1483T>G (p.Tyr495Asp)

Genes: IFT140 (intraflagellar transport 140; minus strand), LOC105371046 (uncharacterized LOC105371046; plus strand). Cytogenetic location: 16p13.3.
Variant type: single nucleotide variant.
Coding change: c.1483T>G on transcript NM_014714.4 (MANE Select); coding-DNA position 1483, T replaced by G.
Protein change: p.Tyr495Asp; replaces tyrosine 495 with aspartic acid.
Molecular consequence: missense variant.
Genome position (GRCh38, 1-based): chr16:1,580,800, A>C on the plus strand (T>G on the coding strand, the complement: IFT140 is on the minus strand). VCF-style: chr16-1580800-A-C. GRCh37 (hg19) VCF-style: chr16-1630801-A-C.
Other names: short protein forms Y495D.
Identifiers: ClinVar variation 1471084 (VCV001471084.8), dbSNP rs2141751528, ClinGen allele CA394212011.